The following is an entry in ClinVar:

NM_020937.4(FANCM):c.1822A>C (p.Ile608Leu)

Gene: FANCM (FA complementation group M; plus strand). Cytogenetic location: 14q21.2.
Variant type: single nucleotide variant.
Coding change: c.1822A>C on transcript NM_020937.4 (MANE Select); coding-DNA position 1822, A replaced by C.
Protein change: p.Ile608Leu; replaces isoleucine 608 with leucine.
Molecular consequence: missense variant.
Genome position (GRCh38, 1-based): chr14:45,166,983, A>C. VCF-style: chr14-45166983-A-C. GRCh37 (hg19) VCF-style: chr14-45636186-A-C.
Other names: c.1744A>C, p.Ile582Leu (NM_001308133.2); c.1822A>C, p.Ile608Leu (NM_001308134.2); short protein forms I582L, I608L.
Identifiers: ClinVar variation 3362129 (VCV003362129.1).

ClinVar aggregate classification (germline): Uncertain significance (1 of 4 stars; one submission).

Submission:

GeneDx
Classification: Uncertain significance. Last evaluated: 2023-05-30. Review status: criteria provided, single submitter. Criteria: GeneDx Variant Classification Process June 2021. Collection method: clinical testing. Allele origin: germline. Affected: yes.
Comment: Not observed at significant frequency in large population cohorts (gnomAD); In silico analysis supports that this missense variant does not alter protein structure/function; Has not been previously published as pathogenic or benign to our knowledge